The following is an entry in ClinVar:

ClinVar aggregate classification (germline): Uncertain significance. Review status: criteria provided, multiple submitters, no conflicts (2 of 4 stars). 2 submissions from 2 submitters: Uncertain significance (2). Last evaluated 2025-01-19.

Conditions:
Inborn genetic diseases. Identifiers: MedGen C0950123, MeSH D030342.

Allele frequency attached by ClinVar (database versions not stated): gnomAD 0.00001; gnomAD exomes 0.00001.
gnomAD v4.1: 11 of 1,613,864 alleles (0.00068%); highest among the groups gnomAD compares: African/African-American, 0.004%; no homozygotes.

Submissions (2):

Ambry Genetics
Classification: Uncertain significance for Inborn genetic diseases. Last evaluated: 2025-01-19. Review status: criteria provided, single submitter. Criteria: Ambry Variant Classification Scheme 2023. Collection method: clinical testing. Allele origin: germline.

Labcorp Genetics (formerly Invitae), Labcorp
Classification: Uncertain significance. Last evaluated: 2022-03-26. Review status: criteria provided, single submitter. Criteria: Invitae Variant Classification Sherloc (09022015). Collection method: clinical testing. Allele origin: germline.
Comment: This sequence change replaces threonine, which is neutral and polar, with methionine, which is neutral and non-polar, at codon 1823 of the DOCK6 protein (p.Thr1823Met). This variant is present in population databases (no rsID available, gnomAD 0.008%). This variant has not been reported in the literature in individuals affected with DOCK6-related conditions. Algorithms developed to predict the effect of missense changes on protein structure and function are either unavailable or do not agree on the potential impact of this missense change (SIFT: "Deleterious"; PolyPhen-2: "Probably Damaging"; Align-GVGD: "Class C0"). In summary, the available evidence is currently insufficient to determine the role of this variant in disease. Therefore, it has been classified as a Variant of Uncertain Significance.

NM_020812.4(DOCK6):c.5468C>T (p.Thr1823Met)

Gene: DOCK6 (dedicator of cytokinesis 6; minus strand). Cytogenetic location: 19p13.2.
Variant type: single nucleotide variant.
Coding change: c.5468C>T on transcript NM_020812.4 (MANE Select); coding-DNA position 5468, C replaced by T.
Protein change: p.Thr1823Met; replaces threonine 1823 with methionine.
Molecular consequence: missense variant.
Genome position (GRCh38, 1-based): chr19:11,202,109, G>A on the plus strand (C>T on the coding strand, the complement: DOCK6 is on the minus strand). VCF-style: chr19-11202109-G-A. GRCh37 (hg19) VCF-style: chr19-11312785-G-A.
Other names: c.5573C>T, p.Thr1858Met (NM_001367830.1); c.5468C>T (NM_020812.2); short protein forms T1823M, T1858M.
Identifiers: ClinVar variation 2175848 (VCV002175848.2), dbSNP rs1245779523, ClinGen allele CA404074363.